The following is an entry in ClinVar:

ClinVar aggregate classification (germline): Uncertain significance. Review status: criteria provided, single submitter (1 of 4 stars). 3 submissions from 3 submitters: Uncertain significance (1). 2 of the submissions do not count toward it. Last evaluated 2025-02-03.

Conditions:
Cystic fibrosis (CF). Also called: MUCOVISCIDOSIS. Identifiers: Orphanet 586, MedGen C0010674, MONDO:0009061, OMIM 219700. Disease mechanism: loss of function.

Submissions (3):

Women's Health and Genetics/Laboratory Corporation of America, LabCorp
Classification: Uncertain significance. Last evaluated: 2025-02-03. Review status: criteria provided, single submitter. Criteria: LabCorp Variant Classification Summary - May 2015. Collection method: clinical testing. Allele origin: germline.
Comment: Variant summary: CFTR c.4190T>A (p.Val1397Glu) results in a non-conservative amino acid change located in the ABC transporter-like, ATP-binding domain (IPR003439) of the encoded protein sequence. Five of five in-silico tools predict a damaging effect of the variant on protein function. The variant was absent in 250630 control chromosomes. The available data on variant occurrences in the general population are insufficient to allow any conclusion about variant significance. c.4190T>A has been reported in the literature in the father of a deceased individual affected with Cystic Fibrosis (Petreska_1994). These report(s) do not provide unequivocal conclusions about association of the variant with Cystic Fibrosis. To our knowledge, no experimental evidence demonstrating an impact on protein function has been reported. The following publications have been ascertained in the context of this evaluation (PMID: 7524913). ClinVar contains an entry for this variant (Variation ID: 53913). Based on the evidence outlined above, the variant was classified as uncertain significance.

Counsyl
Classification: Uncertain significance for Cystic fibrosis. Last evaluated: 2018-01-03. Review status: no assertion criteria provided. Collection method: clinical testing. Allele origin: unknown. Not counted in ClinVar's aggregate classification.

ClinVar Staff, National Center for Biotechnology Information (NCBI)
No classification provided. Condition: CFTR-related disorders. Review status: no classification provided. Collection method: literature only. Allele origin: germline. Affected: yes. Not counted in ClinVar's aggregate classification.

Literature cited by the submitters: PubMed 9788722 (cited by Women's Health and Genetics/Laboratory Corporation of America, LabCorp and ClinVar Staff, National Center for Biotechnology Information (NCBI)); PubMed 7524913 (cited by Women's Health and Genetics/Laboratory Corporation of America, LabCorp and Counsyl); PubMed 12084728 (cited by Counsyl).

NM_000492.4(CFTR):c.4190T>A (p.Val1397Glu)

Gene: CFTR (CF transmembrane conductance regulator; plus strand). Cytogenetic location: 7q31.2.
Variant type: single nucleotide variant.
Coding change: c.4190T>A on transcript NM_000492.4 (MANE Select); coding-DNA position 4190, T replaced by A.
Protein change: p.Val1397Glu; replaces valine 1397 with glutamic acid.
Molecular consequence: missense variant.
Genome position (GRCh38, 1-based): chr7:117,665,512, T>A. VCF-style: chr7-117665512-T-A. GRCh37 (hg19) VCF-style: chr7-117305566-T-A.
Other names: short protein forms V1397E.
Identifiers: ClinVar variation 53913 (VCV000053913.3), dbSNP rs397508691, ClinGen allele CA327440.